The following is an entry in ClinVar:

NM_001148.6(ANK2):c.3807C>A (p.Thr1269=)

Gene: ANK2 (ankyrin 2; plus strand). Cytogenetic location: 4q26.
Variant type: single nucleotide variant.
Coding change: c.3807C>A on transcript NM_001148.6 (MANE Select); coding-DNA position 3807, C replaced by A.
Protein change: p.Thr1269=; no amino-acid change (threonine 1269 retained).
Molecular consequence: synonymous variant.
Genome position (GRCh38, 1-based): chr4:113,339,236, C>A. VCF-style: chr4-113339236-C-A. GRCh37 (hg19) VCF-style: chr4-114260392-C-A.
Other names: c.3780C>A, p.Thr1260= (NM_001127493.3); c.3819C>A, p.Thr1273= (NM_001354225.2); c.3708C>A, p.Thr1236= (NM_001354228.2, NM_001354258.2); c.3786C>A, p.Thr1262= (NM_001354230.2); c.3849C>A, p.Thr1283= (NM_001354231.2, NM_001354242.2); c.3843C>A, p.Thr1281= (NM_001354232.2); c.3804C>A, p.Thr1268= (NM_001354235.2, NM_001354246.2, NM_001354265.2); c.3705C>A, p.Thr1235= (NM_001354236.2); and 31 more.
Identifiers: ClinVar variation 387960 (VCV000387960.10), dbSNP rs759239926, ClinGen allele CA3050933.

ClinVar aggregate classification (germline): Likely benign. Review status: criteria provided, multiple submitters, no conflicts (2 of 4 stars). 3 submissions from 3 submitters: Likely benign (3). Last evaluated 2025-10-04.

Conditions:
Cardiovascular phenotype. Identifiers: MedGen CN230736.
Long QT syndrome (LQTS). Identifiers: MedGen C0023976, MeSH D008133, MONDO:0002442. Disease mechanism: loss of function. Inheritance: Various modes of inheritance.

Allele frequency attached by ClinVar (database versions not stated): gnomAD 0.00001; gnomAD exomes 0.00006; ExAC 0.00010.
gnomAD v4.1: 64 of 1,613,176 alleles (0.004%); highest among the groups gnomAD compares: Middle Eastern, 0.083%; no homozygotes.

Submissions (3):

Labcorp Genetics (formerly Invitae), Labcorp
Classification: Likely benign for Long QT syndrome. Last evaluated: 2025-10-04. Review status: criteria provided, single submitter. Criteria: Invitae Variant Classification Sherloc (09022015). Collection method: clinical testing. Allele origin: germline.

Ambry Genetics
Classification: Likely benign for Cardiovascular phenotype. Last evaluated: 2021-02-13. Review status: criteria provided, single submitter. Criteria: Ambry Variant Classification Scheme 2023. Collection method: clinical testing. Allele origin: germline.

GeneDx
Classification: Likely benign. Last evaluated: 2016-07-27. Review status: criteria provided, single submitter. Criteria: GeneDx Variant Classification (06012015). Collection method: clinical testing. Allele origin: germline. Affected: yes.
Comment: This variant is considered likely benign or benign based on one or more of the following criteria: it is a conservative change, it occurs at a poorly conserved position in the protein, it is predicted to be benign by multiple in silico algorithms, and/or has population frequency not consistent with disease.